The following is an entry in ClinVar:

ClinVar aggregate classification (germline): Likely benign (1 of 4 stars; one submission).

Conditions:
ACTN4-related disorder. Also called: ACTN4-related condition.

Submission:

PreventionGenetics, part of Exact Sciences
Classification: Likely benign for ACTN4-related condition. Last evaluated: 2025-09-16. Review status: criteria provided, single submitter. Criteria: ACMG Guidelines, 2015. Collection method: clinical testing. Allele origin: germline.
Comment: This variant is classified as likely benign based on ACMG/AMP sequence variant interpretation guidelines (Richards et al. 2015 PMID: 25741868, with internal and published modifications).

NM_004924.6(ACTN4):c.-45_-34dup

Gene: ACTN4 (actinin alpha 4; plus strand). Cytogenetic location: 19q13.2.
Variant type: Duplication.
Coding change: c.-45_-34dup on transcript NM_004924.6 (MANE Select); 45 bases upstream of the start codon through 34 bases upstream of the start codon, 12 bases duplicated (TGAGGCGGGAGC).
Molecular consequence: 5 prime UTR variant.
Genome position (GRCh38, 1-based): chr19:38,647,701-38,647,712, TGAGGCGGGAGC duplicated; duplicating any 12 consecutive bases within chr19:38,647,692-38,647,712 gives the same sequence; the c. name uses the placement nearest the transcript's 3' end. VCF-style (leftmost placement, unchanged base first): chr19-38647691-G-GGGCGGGAGCTGA. GRCh37 (hg19) VCF-style: chr19-39138331-G-GGGCGGGAGCTGA.
Other names: c.-45_-34dup (NM_001322033.2, NM_001411143.1, NM_001440296.1 and 2 more transcripts).
Identifiers: ClinVar variation 4981968 (VCV004981968.1).